The following is an entry in ClinVar:

ClinVar aggregate classification (germline): Uncertain significance. Review status: criteria provided, multiple submitters, no conflicts (2 of 4 stars). 2 submissions from 2 submitters: Uncertain significance (2). Last evaluated 2024-03-25.

Conditions:
Spermatogenic failure 18. Identifiers: MedGen C4539783, MONDO:0054615, OMIM 617576.
Ciliary dyskinesia, primary, 37 (CILD37). Also called: CILIARY DYSKINESIA, PRIMARY, 37, WITH OR WITHOUT SITUS INVERSUS. Identifiers: MedGen C4539798, MONDO:0033204, OMIM 617577.

Allele frequency attached by ClinVar (database versions not stated): ExAC 0.00001; TOPMed 0.00001; gnomAD 0.00002.
gnomAD v4.1: 5 of 1,609,702 alleles (0.00031%); highest among the groups gnomAD compares: Admixed American, 0.005%; no homozygotes.

Submissions (2):

Ambry Genetics
Classification: Uncertain significance. Last evaluated: 2024-03-25. Review status: criteria provided, single submitter. Criteria: Ambry Variant Classification Scheme 2023. Collection method: clinical testing. Allele origin: germline.

Labcorp Genetics (formerly Invitae), Labcorp
Classification: Uncertain significance for Ciliary dyskinesia, primary, 37; Spermatogenic failure 18. Last evaluated: 2022-08-23. Review status: criteria provided, single submitter. Criteria: Invitae Variant Classification Sherloc (09022015). Collection method: clinical testing. Allele origin: germline.
Comment: This sequence change replaces isoleucine, which is neutral and non-polar, with valine, which is neutral and non-polar, at codon 336 of the DNAH1 protein (p.Ile336Val). This variant is not present in population databases (gnomAD no frequency). This variant has not been reported in the literature in individuals affected with DNAH1-related conditions. Algorithms developed to predict the effect of missense changes on protein structure and function are either unavailable or do not agree on the potential impact of this missense change (SIFT: "Deleterious"; PolyPhen-2: "Benign"; Align-GVGD: "Class C0"). In summary, the available evidence is currently insufficient to determine the role of this variant in disease. Therefore, it has been classified as a Variant of Uncertain Significance. ClinVar contains an entry for this variant (Variation ID: 972491).

NM_015512.5(DNAH1):c.1006A>G (p.Ile336Val)

Gene: DNAH1 (dynein axonemal heavy chain 1; plus strand). Cytogenetic location: 3p21.1.
Variant type: single nucleotide variant.
Coding change: c.1006A>G on transcript NM_015512.5 (MANE Select); coding-DNA position 1006, A replaced by G.
Protein change: p.Ile336Val; replaces isoleucine 336 with valine.
Molecular consequence: missense variant.
Genome position (GRCh38, 1-based): chr3:52,331,282, A>G. VCF-style: chr3-52331282-A-G. GRCh37 (hg19) VCF-style: chr3-52365298-A-G.
Other names: short protein forms I336V.
Identifiers: ClinVar variation 972491 (VCV000972491.7), dbSNP rs747931853, ClinGen allele CA2432838.